The following is an entry in ClinVar:

ClinVar aggregate classification (germline): Uncertain significance. Review status: criteria provided, multiple submitters, no conflicts (2 of 4 stars). 2 submissions from 2 submitters: Uncertain significance (2). Last evaluated 2023-03-14.

Allele frequency attached by ClinVar (database versions not stated): gnomAD exomes below 0.00001; TOPMed below 0.00001; ExAC 0.00001.
gnomAD v4.1: 2 of 1,613,750 alleles (0.00012%); highest among the groups gnomAD compares: Middle Eastern, 0.017%; no homozygotes.

Submissions (2):

Blueprint Genetics
Classification: Uncertain significance. Last evaluated: 2023-03-14. Review status: criteria provided, single submitter. Criteria: ACMG Guidelines, 2015. Collection method: clinical testing. Allele origin: germline.

Labcorp Genetics (formerly Invitae), Labcorp
Classification: Uncertain significance. Last evaluated: 2020-12-28. Review status: criteria provided, single submitter. Criteria: Invitae Variant Classification Sherloc (09022015). Collection method: clinical testing. Allele origin: germline.
Comment: This variant is present in population databases (rs766117471, ExAC 0.002%). In summary, the available evidence is currently insufficient to determine the role of this variant in disease. Therefore, it has been classified as a Variant of Uncertain Significance. Algorithms developed to predict the effect of missense changes on protein structure and function output the following: SIFT: "Tolerated"; PolyPhen-2: "Benign"; Align-GVGD: "Class C0". The serine amino acid residue is found in multiple mammalian species, suggesting that this missense change does not adversely affect protein function. These predictions have not been confirmed by published functional studies and their clinical significance is uncertain. This variant has not been reported in the literature in individuals with DNASE2-related conditions. This sequence change replaces asparagine with serine at codon 69 of the DNASE2 protein (p.Asn69Ser). The asparagine residue is moderately conserved and there is a small physicochemical difference between asparagine and serine.

NM_001375.3(DNASE2):c.206A>G (p.Asn69Ser)

Genes: DNASE2 (deoxyribonuclease 2, lysosomal; minus strand), LOC117125588 (CRISPRi-FlowFISH-validated KLF1 regulatory element 1; plus strand). Cytogenetic location: 19p13.13.
Variant type: single nucleotide variant.
Coding change: c.206A>G on transcript NM_001375.3 (MANE Select); coding-DNA position 206, A replaced by G.
Protein change: p.Asn69Ser; replaces asparagine 69 with serine.
Molecular consequence: missense variant.
Genome position (GRCh38, 1-based): chr19:12,881,033, T>C on the plus strand (A>G on the coding strand, the complement: DNASE2 is on the minus strand). VCF-style: chr19-12881033-T-C. GRCh37 (hg19) VCF-style: chr19-12991847-T-C.
Other names: short protein forms N69S.
Identifiers: ClinVar variation 1433996 (VCV001433996.9), dbSNP rs766117471, ClinGen allele CA9233859.